The following is an entry in ClinVar:

NM_000548.5(TSC2):c.4951_4953delinsGAC (p.Asn1651Asp)

Gene: TSC2 (TSC complex subunit 2; plus strand). Cytogenetic location: 16p13.3.
Variant type: Indel.
Coding change: c.4951_4953delinsGAC on transcript NM_000548.5 (MANE Select); coding-DNA positions 4951 to 4953, AAT replaced by GAC.
Protein change: p.Asn1651Asp; replaces asparagine 1651 with aspartic acid.
Molecular consequence: missense variant. On other transcripts: non-coding transcript variant (5).
Genome position (GRCh38, 1-based): chr16:2,086,833-2,086,835, AAT replaced by GAC. VCF-style: chr16-2086833-AAT-GAC. GRCh37 (hg19) VCF-style: chr16-2136834-AAT-GAC.
Other names: c.4750_4752delinsGAC, p.Asn1584Asp (NM_001077183.3); c.4882_4884delinsGAC, p.Asn1628Asp (NM_001114382.3); c.4642_4644delinsGAC, p.Asn1548Asp (NM_001318827.2); c.4606_4608delinsGAC, p.Asn1536Asp (NM_001318829.2); c.4219_4221delinsGAC, p.Asn1407Asp (NM_001318831.2); c.4783_4785delinsGAC, p.Asn1595Asp (NM_001318832.2); c.4753_4755delinsGAC, p.Asn1585Asp (NM_001363528.2); c.4819_4821delinsGAC, p.Asn1607Asp (NM_001370404.1); and 26 more; short protein forms N1160D, N1180D, N1384D, N1431D, N1535D, N1585D, N1591D, N1614D.
Identifiers: ClinVar variation 3974622 (VCV003974622.1).

ClinVar aggregate classification (germline): Uncertain significance (1 of 4 stars; one submission).

Conditions:
Hereditary cancer-predisposing syndrome. Also called: Tumor predisposition; Hereditary neoplastic syndrome; Hereditary Cancer Syndrome; Neoplastic Syndromes, Hereditary. Identifiers: Orphanet 140162, MedGen C0027672, MeSH D009386, MONDO:0015356.

Submission:

Ambry Genetics
Classification: Uncertain significance for Hereditary cancer-predisposing syndrome. Last evaluated: 2025-03-20. Review status: criteria provided, single submitter. Criteria: Ambry Variant Classification Scheme 2023. Collection method: clinical testing. Allele origin: germline.
Comment: The c.4951_4953delAATinsGAC variant(also known as p.N1651D), located in coding exon 37 of the TSC2 gene, results from an in-frame deletion of AAT and insertion of GAC at nucleotide positions 4951 to 4953. This results in the substitution of the asparagine residue for an aspartic acid residue at codon 1651, an amino acid with highly similar properties. This amino acid position is highly conserved in available vertebrate species. In addition, the in silico prediction for this alteration is inconclusive (Choi Y et al. PLoS ONE. 2012; 7(10):e46688). Since supporting evidence is limited at this time, the clinical significance of this alteration remains unclear.